The following is an entry in ClinVar:

NM_015202.5(KATNIP):c.4215G>C (p.Gln1405His)

Gene: KATNIP (katanin interacting protein; plus strand). Cytogenetic location: 16p12.1.
Variant type: single nucleotide variant.
Coding change: c.4215G>C on transcript NM_015202.5 (MANE Select); coding-DNA position 4215, G replaced by C.
Protein change: p.Gln1405His; replaces glutamine 1405 with histidine.
Molecular consequence: missense variant.
Genome position (GRCh38, 1-based): chr16:27,773,115, G>C. VCF-style: chr16-27773115-G-C. GRCh37 (hg19) VCF-style: chr16-27784436-G-C.
Other names: short protein forms Q1405H.
Identifiers: ClinVar variation 1945346 (VCV001945346.5), dbSNP rs2543412917, ClinGen allele CA395330939.
Genomic context (GRCh38, chr16:27,773,115, plus strand): 5'-AAAAAAAAAAATTAAGCCTTCTTTTCCTTAATAAAGTGTCCCAGTCATTTTCCAGTTTCA[G>C]CTTCTCACCAGCTGGGGCGACCCCTACTACATCGGCCTCACCGGCCTGGAGCTGTATGAC-3'
Protein context (NP_056017.4, residues 1395-1415): LMPCGFIFQF[Gln1405His]LLTSWGDPYY

ClinVar aggregate classification (germline): Uncertain significance (1 of 4 stars; one submission).

Submission:

Labcorp Genetics (formerly Invitae), Labcorp
Classification: Uncertain significance. Last evaluated: 2024-06-03. Review status: criteria provided, single submitter. Criteria: Invitae Variant Classification Sherloc (09022015). Collection method: clinical testing. Allele origin: germline.
Comment: This sequence change replaces glutamine, which is neutral and polar, with histidine, which is basic and polar, at codon 1405 of the KIAA0556 protein (p.Gln1405His). This variant is not present in population databases (gnomAD no frequency). This variant has not been reported in the literature in individuals affected with KIAA0556-related conditions. ClinVar contains an entry for this variant (Variation ID: 1945346). An algorithm developed to predict the effect of missense changes on protein structure and function (PolyPhen-2) suggests that this variant is likely to be disruptive. Algorithms developed to predict the effect of sequence changes on RNA splicing suggest that this variant may create or strengthen a splice site. In summary, the available evidence is currently insufficient to determine the role of this variant in disease. Therefore, it has been classified as a Variant of Uncertain Significance.